The following is an entry in ClinVar:

ClinVar aggregate classification (germline): Uncertain significance (1 of 4 stars; one submission).

Conditions:
Inborn genetic diseases. Identifiers: MedGen C0950123, MeSH D030342.

Submission:

Ambry Genetics
Classification: Uncertain significance for Inborn genetic diseases. Last evaluated: 2021-12-28. Review status: criteria provided, single submitter. Criteria: Ambry Variant Classification Scheme 2023. Collection method: clinical testing. Allele origin: germline.
Comment: The c.1642+5G>A intronic alteration consists of a G to A substitution 5 nucleotides after exon 16 of the PTPN23 gene. Based on insufficient or conflicting evidence, the clinical significance of this alteration remains unclear.

NM_015466.4(PTPN23):c.1642+5G>A

Gene: PTPN23 (protein tyrosine phosphatase non-receptor type 23; plus strand). Cytogenetic location: 3p21.31.
Variant type: single nucleotide variant.
Coding change: c.1642+5G>A on transcript NM_015466.4 (MANE Select); 5 bases into the intron after coding-DNA position 1642, G replaced by A.
Molecular consequence: intron variant.
Genome position (GRCh38, 1-based): chr3:47,409,092, G>A. VCF-style: chr3-47409092-G-A. GRCh37 (hg19) VCF-style: chr3-47450582-G-A.
Other names: c.1264+5G>A (NM_001304482.2).
Identifiers: ClinVar variation 2264848 (VCV002264848.2), dbSNP rs2546246916, ClinGen allele CA2580069881.
Genomic context (GRCh38, chr3:47,409,092, plus strand): 5'-CAGCGGGCCGCTTGACCAGGTCCGGGCTGCCCTGCCCACACCGGCCCTCTCCCCAGGTGA[G>A]CCCCACCAGACCCCATTGGGAGACTCGAGCTGGGGGTTTCTCTGGCCTCACTGACCACTG-3'